The following is an entry in ClinVar:

Conditions:
Breast-ovarian cancer, familial, susceptibility to, 1 (BROVCA1). Also called: BRCA1 Hereditary Breast and Ovarian Cancer; OVARIAN CANCER, SUSCEPTIBILITY TO. Identifiers: Orphanet 145, MedGen C2676676, MONDO:0011450, OMIM 604370. Disease mechanism: loss of function.

Submission:

Brotman Baty Institute, University of Washington
No classification provided (evidence only). Condition: Breast-ovarian cancer, familial 1. Review status: no classification provided. Collection method: in vitro. Allele origin: not applicable. Functional consequence: functionally_normal.
ClinVar note: "not provided" was previously submitted as the classification for the variant. However, the classification appeared to be based only on an observation of functional data so it was converted to no classification on 2025-07-30.

NM_007294.4(BRCA1):c.5197G>T (p.Asp1733Tyr)

Gene: BRCA1 (BRCA1 DNA repair associated; minus strand). Cytogenetic location: 17q21.31.
Variant type: single nucleotide variant.
Coding change: c.5197G>T on transcript NM_007294.4 (MANE Select); coding-DNA position 5197, G replaced by T.
Protein change: p.Asp1733Tyr; replaces aspartic acid 1733 with tyrosine.
Molecular consequence: missense variant. On other transcripts: non-coding transcript variant (1).
Genome position (GRCh38, 1-based): chr17:43,057,132, C>A on the plus strand (G>T on the coding strand, the complement: BRCA1 is on the minus strand). VCF-style: chr17-43057132-C-A. GRCh37 (hg19) VCF-style: chr17-41209149-C-A.
Other names: c.1807G>T, p.Asp603Tyr (NM_001408415.1, NM_001408416.1, NM_001408412.1 and 2 more transcripts); c.1765G>T, p.Asp589Tyr (NM_001408428.1, NM_001408429.1, NM_001408430.1 and 4 more transcripts); c.1762G>T, p.Asp588Tyr (NM_001408432.1, NM_001408433.1, NM_001408434.1 and 10 more transcripts); c.1759G>T, p.Asp587Tyr (NM_001408447.1, NM_001408448.1, NM_001408450.1 and 2 more transcripts); c.1753G>T, p.Asp585Tyr (NM_001408451.1); c.1747G>T, p.Asp583Tyr (NM_001408452.1, NM_001408453.1, NM_001408454.1 and 3 more transcripts); c.1744G>T, p.Asp582Tyr (NM_001408467.1, NM_001408458.1, NM_001408459.1 and 7 more transcripts); c.1741G>T, p.Asp581Tyr (NM_001408468.1, NM_001408469.1, NM_001408470.1); and 72 more; short protein forms D1754Y, D1733Y, D629Y, D1686Y, D1606Y, D1620Y, D1705Y, D1713Y.
Identifiers: ClinVar variation 867836 (VCV000867836.3), dbSNP rs398122693, ClinGen allele CA10591138.
Genomic context (GRCh38, chr17:43,057,132, plus strand): 5'-TTGCTCGCTTTGGACCTTGGTGGTTTCTTCCATTGACCACATCTCCTCTGACTTCAAAAT[C>A]ATGCTGAAAGAAACCAAACACAACCCATCAGGATAAGAGAAAGAGAAGCTTCCTTCAATG-3'
Protein context (NP_009225.1, residues 1723-1743): IKERKMLNEH[Asp1733Tyr]FEVRGDVVNG